The following is an entry in ClinVar:

GRCh37/hg19 1q21.1-21.2(chr1:145770679-148519140)x1

Genes: ACP6 (acid phosphatase 6, lysophosphatidic; minus strand), BCL9 (BCL9 transcription coactivator; plus strand), CHD1L (chromodomain helicase DNA binding protein 1 like; plus strand), FMO5 (flavin containing dimethylaniline monoxygenase 5; minus strand), GJA5 (gap junction protein alpha 5; minus strand) and 8 more. Cytogenetic location: 1q21.1-21.2.
Variant type: copy number loss.
Change: copy number 1 (one copy instead of two) of chr1:145,770,679-148,519,140 (2.75 Mb, GRCh37 coordinates, 1-based), cytogenetic band 1q21.1-21.2.
Identifiers: ClinVar variation 565163 (VCV000565163.3).

ClinVar aggregate classification (germline): Pathogenic (1 of 4 stars; one submission).

Submission:

Quest Diagnostics Nichols Institute San Juan Capistrano
Classification: Pathogenic. Last evaluated: 2025-01-16. Review status: criteria provided, single submitter. Criteria: ACMG/ClinGen CNV Guidelines, 2019. Collection method: clinical testing. Allele origin: unknown.
Comment: This copy number loss involves multiple protein-coding genes and is consistent with the 1q21.1 deletion syndrome (OMIM 612474). De novo and inherited deletions of this region have been associated with a broad range of phenotypic features (Haldeman-Englert 2024). Inheritance from an unaffected or mildly affected parent has been reported. Therefore, this copy number variant is classified as pathogenic, with incomplete penetrance and variable expressivity. Reference: Haldeman-Englert et al., GeneReviews [2024 Feb 1]. PMID: 21348049